The following is an entry in ClinVar:

ClinVar aggregate classification (germline): Uncertain significance (1 of 4 stars; one submission).

Conditions:
Inborn genetic diseases. Identifiers: MedGen C0950123, MeSH D030342.

gnomAD v4.1: 1 of 1,546,882 alleles (0.000065%); highest among the groups gnomAD compares: South Asian, 0.0013%; no homozygotes.

Submission:

Ambry Genetics
Classification: Uncertain significance for Inborn genetic diseases. Last evaluated: 2026-09-06. Review status: criteria provided, single submitter. Criteria: Ambry Variant Classification Scheme 2023. Collection method: clinical testing. Allele origin: germline.
Comment: The p.S138T variant (also known as c.412T>A), located in coding exon 5 of the RECQL4 gene, results from a T to A substitution at nucleotide position 412. The serine at codon 138 is replaced by threonine, an amino acid with similar properties. This amino acid position is conserved. In addition, this alteration is predicted to be tolerated by in silico analysis. Based on the available evidence, the clinical significance of this variant remains unclear.

NM_004260.4(RECQL4):c.412T>A (p.Ser138Thr)

Gene: RECQL4 (RecQ like helicase 4; minus strand). Cytogenetic location: 8q24.3.
Variant type: single nucleotide variant.
Coding change: c.412T>A on transcript NM_004260.4 (MANE Select); coding-DNA position 412, T replaced by A.
Protein change: p.Ser138Thr; replaces serine 138 with threonine.
Molecular consequence: missense variant. On other transcripts: 5 prime UTR variant (13), non-coding transcript variant (3), intron variant (5).
Genome position (GRCh38, 1-based): chr8:144,516,707, A>T on the plus strand (T>A on the coding strand, the complement: RECQL4 is on the minus strand). VCF-style: chr8-144516707-A-T. GRCh37 (hg19) VCF-style: chr8-145742091-A-T.
Other names: c.412T>A, p.Ser138Thr (NM_001413017.1, NM_001413018.1, NM_001413019.1 and 4 more transcripts); c.-660T>A (NM_001413022.1, NM_001413023.1, NM_001413037.1 and 3 more transcripts); c.283T>A, p.Ser95Thr (NM_001413025.1); c.-722T>A (NM_001413027.1, NM_001413030.1, NM_001413031.1 and 1 more transcripts); c.-385T>A (NM_001413028.1); c.-564T>A (NM_001413034.1); c.-929T>A (NM_001413043.1); c.355-294T>A (NM_001413029.1); and 3 more; short protein forms S138T, S95T.
Identifiers: ClinVar variation 5028120 (VCV005028120.1).
Genomic context (GRCh38, chr8:144,516,707, plus strand): 5'-CATCACTGACTTTTTCTGCAAAGGAGGGGACAGGCCCTGTACCTGGGGGCTTTGGGGTGG[A>T]TGCCTTAGATGAGGCTCTTCCTAGAGGCCACGGTCTGCGGCCCAGGGCTGGTCCGGCCTG-3'
Protein context (NP_004251.4, residues 128-148): WPLGRASSKA[Ser138Thr]TPKPPGTGPV